The following is an entry in ClinVar:

NM_020320.5(RARS2):c.760C>T (p.Arg254Trp)

Gene: RARS2 (arginyl-tRNA synthetase 2, mitochondrial; minus strand). Cytogenetic location: 6q15.
Variant type: single nucleotide variant.
Coding change: c.760C>T on transcript NM_020320.5 (MANE Select); coding-DNA position 760, C replaced by T.
Protein change: p.Arg254Trp; replaces arginine 254 with tryptophan.
Molecular consequence: missense variant. On other transcripts: non-coding transcript variant (23).
Genome position (GRCh38, 1-based): chr6:87,530,795, G>A on the plus strand (C>T on the coding strand, the complement: RARS2 is on the minus strand). VCF-style: chr6-87530795-G-A. GRCh37 (hg19) VCF-style: chr6-88240513-G-A.
Other names: c.235C>T, p.Arg79Trp (NM_001318785.2, NM_001350506.2, NM_001350507.2 and 4 more transcripts); c.760C>T, p.Arg254Trp (NM_001350505.2); short protein forms R254W, R79W.
Identifiers: ClinVar variation 3366658 (VCV003366658.1).
Genomic context (GRCh38, chr6:87,530,795, plus strand): 5'-GAGAGCTGCACTGCATCATGGGAAAGCAGAAGGGAGGGTCAACCAATACCTTGTAAACCC[G>A]AATGTACTCTTCAATGCTCAAGTCCCGAAATTTTTGCCACAGTGAAAGTGCTTGCACATC-3'
Protein context (NP_064716.2, residues 244-264): FRDLSIEEYI[Arg254Trp]VYKRLGVYFD

ClinVar aggregate classification (germline): Uncertain significance (1 of 4 stars; one submission).

gnomAD v4.1: 12 of 1,614,052 alleles (0.00074%); highest among the groups gnomAD compares: African/African-American, 0.004%; no homozygotes.

Submission:

Women's Health and Genetics/Laboratory Corporation of America, LabCorp
Classification: Uncertain significance. Last evaluated: 2024-08-22. Review status: criteria provided, single submitter. Criteria: LabCorp Variant Classification Summary - May 2015. Collection method: clinical testing. Allele origin: germline.
Comment: Variant summary: RARS2 c.760C>T (p.Arg254Trp) results in a non-conservative amino acid change located in the Arginyl-tRNA synthetase, catalytic core domain (IPR035684) of the encoded protein sequence. Three of five in-silico tools predict a damaging effect of the variant on protein function. The variant allele was found at a frequency of 1.6e-05 in 251458 control chromosomes. The available data on variant occurrences in the general population are insufficient to allow any conclusion about variant significance. c.760C>T has been reported in the literature in a compound heterozygous individual affected with Pontocerebellar Hypoplasia, Type 6 (Han_2019, Zhang_2022). These report(s) do not provide unequivocal conclusions about association of the variant with Pontocerebellar Hypoplasia, Type 6. To our knowledge, no experimental evidence demonstrating an impact on protein function has been reported. The following publications have been ascertained in the context of this evaluation (PMID: 31665838, 35468344). No submitters have cited clinical-significance assessments for this variant to ClinVar. Based on the evidence outlined above, the variant was classified as uncertain significance.

Literature cited by the submitters: PubMed 31665838; PubMed 35468344.